The following is an entry in ClinVar:

ClinVar aggregate classification (germline): Uncertain significance. Review status: criteria provided, multiple submitters, no conflicts (2 of 4 stars). 6 submissions from 6 submitters: Uncertain significance (5). 1 of the submissions does not count toward it. Last evaluated 2023-10-01.

Conditions:
Inborn genetic diseases. Identifiers: MedGen C0950123, MeSH D030342.
BBS1-related disorder. Also called: BBS1-related condition.
Retinal dystrophy. Also called: Inherited retinal dystrophy. Identifiers: Orphanet 71862, MedGen C0854723, MeSH D058499, MONDO:0019118, HP:0000556.
Bardet-Biedl syndrome (BBS). Identifiers: Orphanet 110, MedGen C0752166, MONDO:0015229.

Allele frequency attached by ClinVar (database versions not stated): gnomAD 0.00003 and 0.00004; gnomAD exomes 0.00003; TOPMed 0.00005; ExAC 0.00007; ESP Exome Variant Server 0.00023.
gnomAD v4.1: 46 of 1,614,050 alleles (0.0028%); highest among the groups gnomAD compares: African/African-American, 0.0067%; no homozygotes.

Submissions (6):

Dept Of Ophthalmology, Nagoya University
Classification: Uncertain significance for Retinal dystrophy. Last evaluated: 2023-10-01. Review status: criteria provided, single submitter. Criteria: Submitter's publication. Collection method: research. Allele origin: germline. Affected: yes.

Labcorp Genetics (formerly Invitae), Labcorp
Classification: Uncertain significance for Bardet-Biedl syndrome. Last evaluated: 2022-09-06. Review status: criteria provided, single submitter. Criteria: Invitae Variant Classification Sherloc (09022015). Collection method: clinical testing. Allele origin: germline.
Comment: This sequence change replaces threonine, which is neutral and polar, with methionine, which is neutral and non-polar, at codon 162 of the BBS1 protein (p.Thr162Met). This variant is present in population databases (rs148576114, gnomAD 0.01%). This variant has not been reported in the literature in individuals affected with BBS1-related conditions. ClinVar contains an entry for this variant (Variation ID: 1336980). Algorithms developed to predict the effect of missense changes on protein structure and function (SIFT, PolyPhen-2, Align-GVGD) all suggest that this variant is likely to be tolerated. In summary, the available evidence is currently insufficient to determine the role of this variant in disease. Therefore, it has been classified as a Variant of Uncertain Significance.

Blueprint Genetics
Classification: Uncertain significance. Last evaluated: 2022-09-02. Review status: criteria provided, single submitter. Criteria: ACMG Guidelines, 2015. Collection method: clinical testing. Allele origin: germline.

Ambry Genetics
Classification: Uncertain significance for Inborn genetic diseases. Last evaluated: 2021-10-12. Review status: criteria provided, single submitter. Criteria: Ambry Variant Classification Scheme 2023. Collection method: clinical testing. Allele origin: germline.

Genetic Services Laboratory, University of Chicago
Classification: Uncertain significance. Last evaluated: 2019-01-02. Review status: criteria provided, single submitter. Criteria: ACMG Guidelines, 2015. Collection method: clinical testing. Allele origin: germline. Affected: no.

PreventionGenetics, part of Exact Sciences
Classification: Uncertain significance for BBS1-related condition. Last evaluated: 2023-11-27. Review status: no assertion criteria provided. Collection method: clinical testing. Allele origin: germline. Not counted in ClinVar's aggregate classification.
Comment: The BBS1 c.485C>T variant is predicted to result in the amino acid substitution p.Thr162Met. To our knowledge, this variant has not been reported in the literature. This variant is reported in 0.0080% of alleles in individuals of African descent in gnomAD. At this time, the clinical significance of this variant is uncertain due to the absence of conclusive functional and genetic evidence.

NM_024649.5(BBS1):c.485C>T (p.Thr162Met)

Gene: BBS1 (Bardet-Biedl syndrome 1; plus strand). Cytogenetic location: 11q13.2.
Variant type: single nucleotide variant.
Coding change: c.485C>T on transcript NM_024649.5 (MANE Select); coding-DNA position 485, C replaced by T.
Protein change: p.Thr162Met; replaces threonine 162 with methionine.
Molecular consequence: missense variant.
Genome position (GRCh38, 1-based): chr11:66,515,698, C>T. VCF-style: chr11-66515698-C-T. GRCh37 (hg19) VCF-style: chr11-66283169-C-T.
Other names: short protein forms T162M.
Identifiers: ClinVar variation 1336980 (VCV001336980.10), dbSNP rs148576114, ClinGen allele CA6123382.
Genomic context (GRCh38, chr11:66,515,698, plus strand): 5'-AGCCCCAGGGCCCCATTCTTCCATTCGGCTGCCATGCTGGCCCCTTTCCTTGCAGGGAGA[C>T]GGCAGAGGAGCCTTTGTCCATCCAGTCACTCAGGTAAGGACCCTGTGGAGGGCCAGGGTT-3'
Protein context (NP_078925.3, residues 152-172): LKEMLESIRE[Thr162Met]AEEPLSIQSL